The following is an entry in ClinVar:

NM_001018005.2(TPM1):c.115-204G>C

Gene: TPM1 (tropomyosin 1; plus strand). Cytogenetic location: 15q22.2.
Variant type: single nucleotide variant.
Coding change: c.115-204G>C on transcript NM_001018005.2 (MANE Select); 204 bases into the intron before coding-DNA position 115, G replaced by C.
Molecular consequence: intron variant. On other transcripts: missense variant (4).
Genome position (GRCh38, 1-based): chr15:63,043,823, G>C. VCF-style: chr15-63043823-G-C. GRCh37 (hg19) VCF-style: chr15-63336022-G-C.
Other names: p.A78P:GCC>CCC; c.232G>C, p.Ala78Pro (NM_001018007.2, NM_001018020.2, NM_001301244.2 and 1 more transcripts); c.115-204G>C (NM_001018006.2, NM_001365776.1, NM_001018004.2 and 3 more transcripts); short protein forms A78P.
Identifiers: ClinVar variation 181660 (VCV000181660.2), dbSNP rs730881133, ClinGen allele CA018599.

ClinVar aggregate classification (germline): Uncertain significance (1 of 4 stars; one submission).

Allele frequency attached by ClinVar (database versions not stated): TOPMed 0.00001 and 0.00002; gnomAD 0.00001.

Submission:

GeneDx
Classification: Uncertain significance. Last evaluated: 2013-07-09. Review status: criteria provided, single submitter. Criteria: GeneDx Variant Classification (06012015). Collection method: clinical testing. Allele origin: germline. Affected: yes.
Comment: The Ala78Pro variant in the TPM1 gene has not been reported as a disease-causing mutation or as a benign polymorphism to our knowledge. Ala78Pro results in a conservative amino acid substitution of one non-polar amino acid with another at a position that is conserved across species. In silico analysis predicts Ala78Pro is damaging to the protein structure/function. The Ala78Pro variant was not observed in approximately 6,000 individuals of European and African American ancestry in the NHLBI Exome Sequencing Project, indicating it is not a common benign variant in these populations. However, Ala78Pro is located in an alternate transcript of the TPM1 gene where no mutations have been reported in association with cardiomyopathy. The variant is found in DCM panel(s).